The following is an entry in ClinVar:

ClinVar aggregate classification (germline): Likely benign. Review status: criteria provided, multiple submitters, no conflicts (2 of 4 stars). 2 submissions from 2 submitters: Likely benign (2). Last evaluated 2024-10-01.

Conditions:
Intellectual developmental disorder, X-linked 1. Also called: MENTAL RETARDATION, X-LINKED 18; MENTAL RETARDATION, X-LINKED 78; Atkin Flaitz Patil Smith syndrome; Intellectual disability, X-linked 1. Identifiers: Orphanet 777, MedGen C2931498, MONDO:0010656, OMIM 309530.

Allele frequency attached by ClinVar (database versions not stated): TOPMed 0.00001; gnomAD exomes 0.00002.
gnomAD v4.1: 19 of 1,210,530 alleles (0.0016%); highest among the groups gnomAD compares: Non-Finnish European, 0.0019%; no homozygotes.

Submissions (2):

Labcorp Genetics (formerly Invitae), Labcorp
Classification: Likely benign for Intellectual developmental disorder, X-linked 1. Last evaluated: 2024-10-01. Review status: criteria provided, single submitter. Criteria: Invitae Variant Classification Sherloc (09022015). Collection method: clinical testing. Allele origin: germline.

GeneDx
Classification: Likely benign. Last evaluated: 2018-05-17. Review status: criteria provided, single submitter. Criteria: GeneDx Variant Classification (06012015). Collection method: clinical testing. Allele origin: germline. Affected: yes.
Comment: This variant is considered likely benign or benign based on one or more of the following criteria: it is a conservative change, it occurs at a poorly conserved position in the protein, it is predicted to be benign by multiple in silico algorithms, and/or has population frequency not consistent with disease.

NM_001111125.3(IQSEC2):c.1809C>T (p.Ser603=)

Gene: IQSEC2 (IQ motif and Sec7 domain ArfGEF 2; minus strand). Cytogenetic location: Xp11.22.
Variant type: single nucleotide variant.
Coding change: c.1809C>T on transcript NM_001111125.3 (MANE Select); coding-DNA position 1809, C replaced by T.
Protein change: p.Ser603=; no amino-acid change (serine 603 retained).
Molecular consequence: synonymous variant.
Genome position (GRCh38, 1-based): chrX:53,250,767, G>A on the plus strand (C>T on the coding strand, the complement: IQSEC2 is on the minus strand). VCF-style: chrX-53250767-G-A. GRCh37 (hg19) VCF-style: chrX-53279949-G-A.
Other names: c.1194C>T, p.Ser398= (NM_015075.2).
Identifiers: ClinVar variation 668452 (VCV000668452.10), dbSNP rs1602283885, ClinGen allele CA516673885.